The following is an entry in ClinVar:

ClinVar aggregate classification (germline): Uncertain significance (1 of 4 stars; one submission).

Allele frequency attached by ClinVar (database versions not stated): ExAC 0.00001; gnomAD 0.00001; gnomAD exomes 0.00001; TOPMed 0.00001.
gnomAD v4.1: 4 of 1,613,922 alleles (0.00025%); highest among the groups gnomAD compares: Non-Finnish European, 0.00034%; no homozygotes.

Submission:

Labcorp Genetics (formerly Invitae), Labcorp
Classification: Uncertain significance. Last evaluated: 2022-02-25. Review status: criteria provided, single submitter. Criteria: Invitae Variant Classification Sherloc (09022015). Collection method: clinical testing. Allele origin: germline.
Comment: In summary, the available evidence is currently insufficient to determine the role of this variant in disease. Therefore, it has been classified as a Variant of Uncertain Significance. Algorithms developed to predict the effect of missense changes on protein structure and function are either unavailable or do not agree on the potential impact of this missense change (SIFT: "Deleterious"; PolyPhen-2: "Probably Damaging"; Align-GVGD: "Class C0"). This variant has not been reported in the literature in individuals affected with VPS13C-related conditions. This variant is not present in population databases (gnomAD no frequency). This sequence change replaces serine, which is neutral and polar, with proline, which is neutral and non-polar, at codon 1773 of the VPS13C protein (p.Ser1773Pro).

NM_020821.3(VPS13C):c.5317T>C (p.Ser1773Pro)

Gene: VPS13C (vacuolar protein sorting 13 homolog C; minus strand). Cytogenetic location: 15q22.2.
Variant type: single nucleotide variant.
Coding change: c.5317T>C on transcript NM_020821.3 (MANE Select); coding-DNA position 5317, T replaced by C.
Protein change: p.Ser1773Pro; replaces serine 1773 with proline.
Molecular consequence: missense variant.
Genome position (GRCh38, 1-based): chr15:61,941,899, A>G on the plus strand (T>C on the coding strand, the complement: VPS13C is on the minus strand). VCF-style: chr15-61941899-A-G. GRCh37 (hg19) VCF-style: chr15-62234098-A-G.
Other names: c.5317T>C, p.Ser1773Pro (NM_001018088.3); c.5188T>C, p.Ser1730Pro (NM_017684.5, NM_018080.4); short protein forms S1730P, S1773P.
Identifiers: ClinVar variation 2178297 (VCV002178297.4), dbSNP rs778700583, ClinGen allele CA7595866.